The following is an entry in ClinVar:

ClinVar aggregate classification (germline): Pathogenic (1 of 4 stars; one submission).

Submission:

Labcorp Genetics (formerly Invitae), Labcorp
Classification: Pathogenic. Last evaluated: 2023-10-26. Review status: criteria provided, single submitter. Criteria: Invitae Variant Classification Sherloc (09022015). Collection method: clinical testing. Allele origin: germline.
Comment: A gross deletion of the genomic region encompassing the full coding sequence of the HPS6 gene has been identified. Loss-of-function variants in HPS6 are known to be pathogenic (PMID: 16420244, 19843503, 27593200). The boundaries of this event are unknown as they extend beyond the assayed region for this gene and therefore may encompass additional genes. A similar copy number variant has been observed in individual(s) with Hermansky-Pudlak syndrome (PMID: 19843503). For these reasons, this variant has been classified as Pathogenic.

Literature cited by the submitters: PubMed 16420244; PubMed 19843503; PubMed 27593200.

NC_000010.10:g.(?_103825232)_(103827559_?)del

Gene: HPS6 (HPS6 biogenesis of lysosomal organelles complex 2 subunit 3; plus strand). Cytogenetic location: 10q24.32.
Variant type: Deletion.
Identifiers: ClinVar variation 1459302 (VCV001459302.5).